The following is an entry in ClinVar:

ClinVar aggregate classification (germline): Likely pathogenic (1 of 4 stars; one submission).

Conditions:
Tatton-Brown-Rahman overgrowth syndrome. Also called: Tall stature-intellectual disability-facial dysmorphism syndrome; Tatton-Brown-Rahman syndrome. Identifiers: Orphanet 404443, MedGen C4014545, MONDO:0014382, OMIM 615879.

gnomAD v4.1: 1 of 1,614,138 alleles (0.000062%); highest among the groups gnomAD compares: Non-Finnish European, 0.000085%; no homozygotes.

Submission:

Laboratorio de Genetica e Diagnostico Molecular, Hospital Israelita Albert Einstein
Classification: Likely pathogenic for Tatton-Brown-Rahman overgrowth syndrome. Last evaluated: 2022-12-22. Review status: criteria provided, single submitter. Criteria: ACMG Guidelines, 2015. Collection method: clinical testing. Allele origin: germline. Affected: yes. Observed: 1 variant allele.
Comment: ACMG classification criteria: PS4 supporting, PM2 moderated, PM6 moderated, PP2 supporting, PP3 supporting

NM_022552.5(DNMT3A):c.1627G>A (p.Gly543Ser)

Gene: DNMT3A (DNA methyltransferase 3 alpha; minus strand). Cytogenetic location: 2p23.3.
Variant type: single nucleotide variant.
Coding change: c.1627G>A on transcript NM_022552.5 (MANE Select); coding-DNA position 1627, G replaced by A.
Protein change: p.Gly543Ser; replaces glycine 543 with serine.
Molecular consequence: missense variant. On other transcripts: non-coding transcript variant (1).
Genome position (GRCh38, 1-based): chr2:25,244,580, C>T on the plus strand (G>A on the coding strand, the complement: DNMT3A is on the minus strand). VCF-style: chr2-25244580-C-T. GRCh37 (hg19) VCF-style: chr2-25467449-C-T.
Other names: c.1171G>A, p.Gly391Ser (NM_001320893.1); c.958G>A, p.Gly320Ser (NM_001375819.1); c.1060G>A, p.Gly354Ser (NM_153759.3); c.1627G>A, p.Gly543Ser (NM_175629.2); short protein forms G320S, G354S, G391S, G543S.
Identifiers: ClinVar variation 2431485 (VCV002431485.1), dbSNP rs752222356, ClinGen allele CA346072143.